The following is an entry in ClinVar:

NM_001165963.4(SCN1A):c.4339G>C (p.Val1447Leu)

Genes: SCN1A (sodium voltage-gated channel alpha subunit 1; minus strand), LOC102724058 (uncharacterized LOC102724058; plus strand). Cytogenetic location: 2q24.3.
Variant type: single nucleotide variant.
Coding change: c.4339G>C on transcript NM_001165963.4 (MANE Select); coding-DNA position 4339, G replaced by C.
Protein change: p.Val1447Leu; replaces valine 1447 with leucine.
Molecular consequence: missense variant. On other transcripts: non-coding transcript variant (1).
Genome position (GRCh38, 1-based): chr2:165,998,175, C>G on the plus strand (G>C on the coding strand, the complement: SCN1A is on the minus strand). VCF-style: chr2-165998175-C-G. GRCh37 (hg19) VCF-style: chr2-166854685-C-G.
Other names: c.4255G>C, p.Val1419Leu (NM_001165964.3, NM_001353957.2, NM_001353958.2); c.4339G>C, p.Val1447Leu (NM_001202435.3, NM_001353948.2); c.4306G>C, p.Val1436Leu (NM_001353949.2, NM_001353950.2, NM_001353951.2 and 2 more transcripts); c.4303G>C, p.Val1435Leu (NM_001353954.2, NM_001353955.2); c.4252G>C, p.Val1418Leu (NM_001353960.2); c.1897G>C, p.Val633Leu (NM_001353961.2); short protein forms V1447L, V1436L, V1419L, V1435L, V633L, V1418L.
Identifiers: ClinVar variation 582114 (VCV000582114.9), dbSNP rs1559119642, ClinGen allele CA349049513.

ClinVar aggregate classification (germline): Uncertain significance (1 of 4 stars; one submission).

Conditions:
Early-infantile DEE. Also called: Early infantile epileptic encephalopathy with suppression bursts; Early infantile epileptic encephalopathy; Ohtahara syndrome. Identifiers: Orphanet 1934, MedGen C0393706, MONDO:0800491.

Submission:

Labcorp Genetics (formerly Invitae), Labcorp
Classification: Uncertain significance for Early-infantile DEE. Last evaluated: 2022-07-12. Review status: criteria provided, single submitter. Criteria: Invitae Variant Classification Sherloc (09022015). Collection method: clinical testing. Allele origin: germline.
Comment: This variant is not present in population databases (gnomAD no frequency). This sequence change replaces valine, which is neutral and non-polar, with leucine, which is neutral and non-polar, at codon 1447 of the SCN1A protein (p.Val1447Leu). This variant has not been reported in the literature in individuals affected with SCN1A-related conditions. In summary, the available evidence is currently insufficient to determine the role of this variant in disease. Therefore, it has been classified as a Variant of Uncertain Significance. Algorithms developed to predict the effect of sequence changes on RNA splicing suggest that this variant may disrupt the consensus splice site. Algorithms developed to predict the effect of missense changes on protein structure and function (SIFT, PolyPhen-2, Align-GVGD) all suggest that this variant is likely to be tolerated. ClinVar contains an entry for this variant (Variation ID: 582114).